The following is an entry in ClinVar:

NM_001349338.3(FOXP1):c.1888G>T (p.Val630Leu)

Gene: FOXP1 (forkhead box P1; minus strand). Cytogenetic location: 3p13.
Variant type: single nucleotide variant.
Coding change: c.1888G>T on transcript NM_001349338.3 (MANE Select); coding-DNA position 1888, G replaced by T.
Protein change: p.Val630Leu; replaces valine 630 with leucine.
Molecular consequence: missense variant. On other transcripts: non-coding transcript variant (2).
Genome position (GRCh38, 1-based): chr3:70,965,891, C>A on the plus strand (G>T on the coding strand, the complement: FOXP1 is on the minus strand). VCF-style: chr3-70965891-C-A. GRCh37 (hg19) VCF-style: chr3-71015042-C-A.
Other names: c.1585G>T, p.Val529Leu (NM_001349337.2, NM_001349343.3, NM_001349344.3 and 1 more transcripts); c.1888G>T, p.Val630Leu (NM_001349340.3, NM_032682.6, NM_001244814.3 and 1 more transcripts); c.1885G>T, p.Val629Leu (NM_001349341.3, NM_001244808.3); c.1588G>T, p.Val530Leu (NM_001349342.3, NM_001244813.3, NM_001244815.2); c.1936G>T, p.Val646Leu (NM_001244810.2); c.1660G>T, p.Val554Leu (NM_001244812.3); short protein forms V630L, V554L, V629L, V646L, V529L, V530L.
Identifiers: ClinVar variation 562025 (VCV000562025.4), dbSNP rs772816590, ClinGen allele CA2490802.
Genomic context (GRCh38, chr3:70,965,891, plus strand): 5'-CGTGTACCTAGGGAGACTAGGGTCAGATAGCAAAGACCTGTTGGGTGGACAATACTCACA[C>A]GGCTTGCATAGGAGATCTGCCTGGACTGCTGTCACTCTCGTTGCTGTTGGTATGCTCCAT-3'
Protein context (NP_001336267.1, residues 620-640): SSPGRSPMQA[Val630Leu]HPVHVKEEPL

ClinVar aggregate classification (germline): Conflicting classifications of pathogenicity. Review status: criteria provided, conflicting classifications (1 of 4 stars). 2 submissions from 2 submitters: Uncertain significance (1); Likely benign (1). Last evaluated 2024-05-02.

Conditions:
Intellectual disability. Also called: Intellectual functioning disability; intellectual disabilities; Intellectual developmental disorder. Identifiers: MedGen C3714756, MeSH D008607, MONDO:0001071, HP:0001249.

gnomAD v4.1: 8 of 1,613,714 alleles (0.0005%); highest among the groups gnomAD compares: African/African-American, 0.0013%; no homozygotes.

Submissions (2):

Labcorp Genetics (formerly Invitae), Labcorp
Classification: Uncertain significance. Last evaluated: 2024-05-02. Review status: criteria provided, single submitter. Criteria: Invitae Variant Classification Sherloc (09022015). Collection method: clinical testing. Allele origin: germline.
Comment: This sequence change replaces valine, which is neutral and non-polar, with leucine, which is neutral and non-polar, at codon 630 of the FOXP1 protein (p.Val630Leu). This variant is not present in population databases (gnomAD no frequency). This variant has not been reported in the literature in individuals affected with FOXP1-related conditions. ClinVar contains an entry for this variant (Variation ID: 562025). An algorithm developed to predict the effect of missense changes on protein structure and function (PolyPhen-2) suggests that this variant is likely to be tolerated. In summary, the available evidence is currently insufficient to determine the role of this variant in disease. Therefore, it has been classified as a Variant of Uncertain Significance.

Centre de Biologie Pathologie Génétique, Centre Hospitalier Universitaire de Lille
Classification: Likely benign for Intellectual disability. Last evaluated: 2017-01-01. Review status: criteria provided, single submitter. Criteria: ACMG Guidelines, 2015. Collection method: clinical testing. Allele origin: maternal. Affected: no.